The following is an entry in ClinVar:

ClinVar aggregate classification (germline): Uncertain significance (1 of 4 stars; one submission).

Conditions:
Coffin-Lowry syndrome (CLS). Also called: COFFIN-LOWRY SYNDROME, MILD; Mental retardation with osteocartilaginous abnormalities. Identifiers: Orphanet 192, MedGen C0265252, MONDO:0010561, OMIM 303600.

Submission:

MVZ Medizinische Genetik Mainz
Classification: Uncertain significance for Coffin-Lowry syndrome. Last evaluated: 2022-04-07. Review status: criteria provided, single submitter. Criteria: UK Practice Guidelines For Variant Classification V4 01 2020. Collection method: clinical testing. Allele origin: germline. Inheritance: X-linked dominant inheritance. Affected: yes. Observed: 1 variant allele.
Comment: ACMG Criteria: PM2_SUP,PP2,PP3

NM_004586.3(RPS6KA3):c.1166C>A (p.Ala389Asp)

Gene: RPS6KA3 (ribosomal protein S6 kinase A3; minus strand). Cytogenetic location: Xp22.12.
Variant type: single nucleotide variant.
Coding change: c.1166C>A on transcript NM_004586.3 (MANE Select); coding-DNA position 1166, C replaced by A.
Protein change: p.Ala389Asp; replaces alanine 389 with aspartic acid.
Molecular consequence: missense variant.
Genome position (GRCh38, 1-based): chrX:20,175,225, G>T on the plus strand (C>A on the coding strand, the complement: RPS6KA3 is on the minus strand). VCF-style: chrX-20175225-G-T. GRCh37 (hg19) VCF-style: chrX-20193343-G-T.
Other names: short protein forms A389D.
Identifiers: ClinVar variation 3236127 (VCV003236127.1), dbSNP rs2519675851, ClinGen allele CA412516908.